The following is an entry in ClinVar:

ClinVar aggregate classification (germline): Uncertain significance. Review status: criteria provided, multiple submitters, no conflicts (2 of 4 stars). 4 submissions from 3 submitters: Uncertain significance (4). Last evaluated 2022-09-27.

Conditions:
Mucolipidosis type II. Also called: Mucolipidosis II Alpha/Beta; ML II ALPHA/BETA; Mucolipidosis 2; ML 2; Inclusion cell disease; Leroy Disease. Identifiers: Orphanet 576, MedGen C2673377, MONDO:0009650, OMIM 252500.
Pseudo-Hurler polydystrophy. Also called: MUCOLIPIDOSIS IIIA; ML III; ML III ALPHA/BETA; Type III Mucolipidosis; Mucolipidosis III Alpha/Beta; ML IIIA. Identifiers: Orphanet 423461, Orphanet 577, MedGen C0033788, MONDO:0018931, OMIM 252600.

Allele frequency attached by ClinVar (database versions not stated): gnomAD exomes 0.00002 and 0.00001; TOPMed 0.00001; ExAC 0.00002.
gnomAD v4.1: 14 of 1,613,726 alleles (0.00087%); highest among the groups gnomAD compares: Admixed American, 0.012%; no homozygotes.

Submissions (4):

Labcorp Genetics (formerly Invitae), Labcorp
Classification: Uncertain significance for Pseudo-Hurler polydystrophy; Mucolipidosis type II. Last evaluated: 2022-09-27. Review status: criteria provided, single submitter. Criteria: Invitae Variant Classification Sherloc (09022015). Collection method: clinical testing. Allele origin: germline.
Comment: This sequence change replaces alanine, which is neutral and non-polar, with valine, which is neutral and non-polar, at codon 171 of the GNPTAB protein (p.Ala171Val). This variant is present in population databases (rs746860631, gnomAD 0.01%). This variant has not been reported in the literature in individuals affected with GNPTAB-related conditions. ClinVar contains an entry for this variant (Variation ID: 883626). Advanced modeling of protein sequence and biophysical properties (such as structural, functional, and spatial information, amino acid conservation, physicochemical variation, residue mobility, and thermodynamic stability) performed at Invitae indicates that this missense variant is not expected to disrupt GNPTAB protein function. In summary, the available evidence is currently insufficient to determine the role of this variant in disease. Therefore, it has been classified as a Variant of Uncertain Significance.

Fulgent Genetics
Classification: Uncertain significance for Mucolipidosis type II; Pseudo-Hurler polydystrophy. Last evaluated: 2021-07-25. Review status: criteria provided, single submitter. Criteria: ACMG Guidelines, 2015. Collection method: clinical testing. Allele origin: unknown.

Illumina Laboratory Services, Illumina
Classification: Uncertain significance for Pseudo-Hurler polydystrophy. Last evaluated: 2018-01-13. Review status: criteria provided, single submitter. Criteria: ICSL Variant Classification Criteria 13 December 2019. Collection method: clinical testing. Allele origin: germline.

Illumina Laboratory Services, Illumina
Classification: Uncertain significance for Mucolipidosis type II. Last evaluated: 2018-01-13. Review status: criteria provided, single submitter. Criteria: ICSL Variant Classification Criteria 13 December 2019. Collection method: clinical testing. Allele origin: germline.

NM_024312.5(GNPTAB):c.512C>T (p.Ala171Val)

Gene: GNPTAB (N-acetylglucosamine-1-phosphate transferase subunits alpha and beta; minus strand). Cytogenetic location: 12q23.2.
Variant type: single nucleotide variant.
Coding change: c.512C>T on transcript NM_024312.5 (MANE Select); coding-DNA position 512, C replaced by T.
Protein change: p.Ala171Val; replaces alanine 171 with valine.
Molecular consequence: missense variant.
Genome position (GRCh38, 1-based): chr12:101,786,071, G>A on the plus strand (C>T on the coding strand, the complement: GNPTAB is on the minus strand). VCF-style: chr12-101786071-G-A. GRCh37 (hg19) VCF-style: chr12-102179849-G-A.
Other names: short protein forms A171V.
Identifiers: ClinVar variation 883626 (VCV000883626.6), dbSNP rs746860631, ClinGen allele CA6746869.